The following is an entry in ClinVar:

ClinVar aggregate classification (germline): Likely benign. Review status: criteria provided, multiple submitters, no conflicts (2 of 4 stars). 3 submissions from 3 submitters: Likely benign (2). 1 of the submissions does not count toward it. Last evaluated 2026-01-06.

Conditions:
Inborn genetic diseases. Identifiers: MedGen C0950123, MeSH D030342.
SCN11A-related disorder. Also called: SCN11A-related condition.
Hereditary sensory and autonomic neuropathy type 7. Also called: Neuropathy, hereditary sensory and autonomic, type VII; HSAN VII. Identifiers: Orphanet 391397, MedGen C3809882, MONDO:0014244, OMIM 615548.
Familial episodic pain syndrome with predominantly lower limb involvement. Also called: Episodic pain syndrome, familial, 3. Identifiers: Orphanet 391384, Orphanet 391392, MedGen C3809899, MONDO:0014247, OMIM 615552.

Allele frequency attached by ClinVar (database versions not stated): gnomAD exomes 0.00003 and 0.00008; TOPMed 0.00005; ESP Exome Variant Server 0.00031; ExAC 0.00007; gnomAD 0.00004.
gnomAD v4.1: 62 of 1,613,188 alleles (0.0038%); highest among the groups gnomAD compares: Admixed American, 0.005%; no homozygotes.

Submissions (3):

Labcorp Genetics (formerly Invitae), Labcorp
Classification: Likely benign for Familial episodic pain syndrome with predominantly lower limb involvement; Hereditary sensory and autonomic neuropathy type 7. Last evaluated: 2026-01-06. Review status: criteria provided, single submitter. Criteria: Invitae Variant Classification Sherloc (09022015). Collection method: clinical testing. Allele origin: germline.

Ambry Genetics
Classification: Likely benign for Inborn genetic diseases. Last evaluated: 2019-07-11. Review status: criteria provided, single submitter. Criteria: Ambry Variant Classification Scheme 2023. Collection method: clinical testing. Allele origin: germline.

PreventionGenetics, part of Exact Sciences
Classification: Likely benign for SCN11A-related condition. Last evaluated: 2020-04-20. Review status: no assertion criteria provided. Collection method: clinical testing. Allele origin: germline. Not counted in ClinVar's aggregate classification.
Comment: This variant is classified as likely benign based on ACMG/AMP sequence variant interpretation guidelines (Richards et al. 2015 PMID: 25741868, with internal and published modifications).

NM_001349253.2(SCN11A):c.4308C>T (p.Val1436=)

Gene: SCN11A (sodium voltage-gated channel alpha subunit 11; minus strand). Cytogenetic location: 3p22.2.
Variant type: single nucleotide variant.
Coding change: c.4308C>T on transcript NM_001349253.2 (MANE Select); coding-DNA position 4308, C replaced by T.
Protein change: p.Val1436=; no amino-acid change (valine 1436 retained).
Molecular consequence: synonymous variant.
Genome position (GRCh38, 1-based): chr3:38,850,500, G>A on the plus strand (C>T on the coding strand, the complement: SCN11A is on the minus strand). VCF-style: chr3-38850500-G-A. GRCh37 (hg19) VCF-style: chr3-38891991-G-A.
Other names: c.4308C>T, p.Val1436= (NM_014139.3).
Identifiers: ClinVar variation 541595 (VCV000541595.14), dbSNP rs140270974, ClinGen allele CA2321558.